The following is an entry in ClinVar:

ClinVar aggregate classification (germline): Uncertain significance (1 of 4 stars; one submission).

Conditions:
Ornithine carbamoyltransferase deficiency (OTCD). Also called: OTC DEFICIENCY; ORNITHINE TRANSCARBAMYLASE DEFICIENCY, HYPERAMMONEMIA DUE TO; ORNITHINE TRANSCARBAMYLASE DEFICIENCY; Ornithine Carbamoyltransferase Deficiency Disease. Identifiers: Orphanet 664, MedGen C0268542, MONDO:0010703, OMIM 311250.

Submission:

Pittsburgh Clinical Genomics Laboratory, University of Pittsburgh Medical Center
Classification: Uncertain significance for Ornithine carbamoyltransferase deficiency. Last evaluated: 2023-07-18. Review status: criteria provided, single submitter. Criteria: ACMG Guidelines, 2015. Collection method: clinical testing. Allele origin: germline. Inheritance: X-linked inheritance. Affected: yes.
Comment: This sequence variant is a single nucleotide substitution (A>G) at coding position 400 of the OTC gene that results in a methionine to valine amino acid change at residue 134 of the OTC encoded ornithine transcarbamylase protein. This novel variant is absent from a database of clinically annotated variants (ClinVar) and the gnomAD population dataset (0 of approximately 180,000 alleles). Multiple bioinformatic tools predict that this methionine to valine amino acid change would be damaging, and the methionine residue is strongly conserved across the vertebrate species examined. Studies examining the functiol consequence of this variant have not been published, to our knowledge. At this time, there is insufficient evidence to determine if this variant is pathogenic or benign. Therefore, we consider this a variant of uncertain significance. ACMG Criteria: PM2, PP2, PP3

NM_000531.6(OTC):c.400A>G (p.Met134Val)

Gene: OTC (ornithine transcarbamylase; plus strand). Cytogenetic location: Xp11.4.
Variant type: single nucleotide variant.
Coding change: c.400A>G on transcript NM_000531.6 (MANE Select); coding-DNA position 400, A replaced by G.
Protein change: p.Met134Val; replaces methionine 134 with valine.
Molecular consequence: missense variant.
Genome position (GRCh38, 1-based): chrX:38,401,288, A>G. VCF-style: chrX-38401288-A-G. GRCh37 (hg19) VCF-style: chrX-38260541-A-G.
Other names: c.400A>G, p.Met134Val (NM_001407092.1); short protein forms M134V.
Identifiers: ClinVar variation 3376305 (VCV003376305.1).